The following is an entry in ClinVar:

ClinVar aggregate classification (germline): Uncertain significance. Review status: criteria provided, multiple submitters, no conflicts (2 of 4 stars). 2 submissions from 2 submitters: Uncertain significance (2). Last evaluated 2026-05-26.

Conditions:
FAT4-related disorder. Also called: FAT4-related condition.

Allele frequency attached by ClinVar (database versions not stated): gnomAD exomes below 0.00001; TOPMed below 0.00001; gnomAD 0.00001.
gnomAD v4.1: 4 of 1,609,322 alleles (0.00025%); highest among the groups gnomAD compares: Non-Finnish European, 0.00025%; no homozygotes.

Submissions (2):

PreventionGenetics, part of Exact Sciences
Classification: Uncertain significance for FAT4-related condition. Last evaluated: 2026-05-26. Review status: criteria provided, single submitter. Criteria: ACMG Guidelines, 2015. Collection method: clinical testing. Allele origin: germline.
Comment: The FAT4 c.7795A>G variant is predicted to result in the amino acid substitution p.Met2599Val. To our knowledge, this variant has not been reported in the literature or in a large population database (gnomAD), indicating this variant is rare. At this time, the clinical significance of this variant is uncertain due to the absence of conclusive functional and genetic evidence.

Labcorp Genetics (formerly Invitae), Labcorp
Classification: Uncertain significance. Last evaluated: 2022-08-19. Review status: criteria provided, single submitter. Criteria: Invitae Variant Classification Sherloc (09022015). Collection method: clinical testing. Allele origin: germline.
Comment: This sequence change replaces methionine, which is neutral and non-polar, with valine, which is neutral and non-polar, at codon 2599 of the FAT4 protein (p.Met2599Val). This variant is not present in population databases (gnomAD no frequency). This variant has not been reported in the literature in individuals affected with FAT4-related conditions. ClinVar contains an entry for this variant (Variation ID: 1348283). Advanced modeling of protein sequence and biophysical properties (such as structural, functional, and spatial information, amino acid conservation, physicochemical variation, residue mobility, and thermodynamic stability) performed at Invitae indicates that this missense variant is not expected to disrupt FAT4 protein function. In summary, the available evidence is currently insufficient to determine the role of this variant in disease. Therefore, it has been classified as a Variant of Uncertain Significance.

NM_001291303.3(FAT4):c.7801A>G (p.Met2601Val)

Gene: FAT4 (FAT atypical cadherin 4; plus strand). Cytogenetic location: 4q28.1.
Variant type: single nucleotide variant.
Coding change: c.7801A>G on transcript NM_001291303.3 (MANE Select); coding-DNA position 7801, A replaced by G.
Protein change: p.Met2601Val; replaces methionine 2601 with valine.
Molecular consequence: missense variant.
Genome position (GRCh38, 1-based): chr4:125,448,811, A>G. VCF-style: chr4-125448811-A-G. GRCh37 (hg19) VCF-style: chr4-126369966-A-G.
Other names: c.7795A>G (NM_024582.4); c.7801A>G, p.Met2601Val (NM_001291285.3); c.7795A>G, p.Met2599Val (NM_024582.6); short protein forms M2599V, M2601V.
Identifiers: ClinVar variation 1348283 (VCV001348283.6), dbSNP rs1578655249, ClinGen allele CA358141766.